The following is an entry in ClinVar:

ClinVar aggregate classification (germline): Uncertain significance. Review status: criteria provided, multiple submitters, no conflicts (2 of 4 stars). 2 submissions from 2 submitters: Uncertain significance (2). Last evaluated 2024-03-16.

Conditions:
Rienhoff syndrome. Also called: LOEYS-DIETZ SYNDROME 5. Identifiers: MedGen C3810012, MONDO:0014262, OMIM 615582.

gnomAD v4.1: 5 of 1,614,228 alleles (0.00031%); highest among the groups gnomAD compares: Non-Finnish European, 0.00042%; no homozygotes.

Submissions (2):

Labcorp Genetics (formerly Invitae), Labcorp
Classification: Uncertain significance for Rienhoff syndrome. Last evaluated: 2024-03-16. Review status: criteria provided, single submitter. Criteria: Invitae Variant Classification Sherloc (09022015). Collection method: clinical testing. Allele origin: germline.
Comment: This sequence change replaces tyrosine, which is neutral and polar, with asparagine, which is neutral and polar, at codon 101 of the TGFB3 protein (p.Tyr101Asn). This variant is present in population databases (no rsID available, gnomAD 0.0009%). This variant has not been reported in the literature in individuals affected with TGFB3-related conditions. ClinVar contains an entry for this variant (Variation ID: 1305827). Advanced modeling of protein sequence and biophysical properties (such as structural, functional, and spatial information, amino acid conservation, physicochemical variation, residue mobility, and thermodynamic stability) performed at Invitae indicates that this missense variant is not expected to disrupt TGFB3 protein function with a negative predictive value of 80%. In summary, the available evidence is currently insufficient to determine the role of this variant in disease. Therefore, it has been classified as a Variant of Uncertain Significance.

GeneDx
Classification: Uncertain significance. Last evaluated: 2020-11-12. Review status: criteria provided, single submitter. Criteria: GeneDx Variant Classification Process June 2021. Collection method: clinical testing. Allele origin: germline. Affected: yes.
Comment: Has not been previously published as pathogenic or benign to our knowledge; Not observed at a significant frequency in large population cohorts (Lek et al., 2016); In silico analysis supports that this missense variant has a deleterious effect on protein structure/function; Reported in ClinVar but additional evidence is not available (ClinVar Variant ID#581990; Landrum et al., 2016)

NM_003239.5(TGFB3):c.301T>A (p.Tyr101Asn)

Gene: TGFB3 (transforming growth factor beta 3; minus strand). Cytogenetic location: 14q24.3.
Variant type: single nucleotide variant.
Coding change: c.301T>A on transcript NM_003239.5 (MANE Select); coding-DNA position 301, T replaced by A.
Protein change: p.Tyr101Asn; replaces tyrosine 101 with asparagine.
Molecular consequence: missense variant.
Genome position (GRCh38, 1-based): chr14:75,980,593, A>T on the plus strand (T>A on the coding strand, the complement: TGFB3 is on the minus strand). VCF-style: chr14-75980593-A-T. GRCh37 (hg19) VCF-style: chr14-76446936-A-T.
Other names: c.301T>A, p.Tyr101Asn (NM_001329938.2, NM_001329939.2); short protein forms Y101N.
Identifiers: ClinVar variation 1305827 (VCV001305827.3), dbSNP rs1380630603, ClinGen allele CA390471006.